The following is an entry in ClinVar:

ClinVar aggregate classification (germline): Uncertain significance (1 of 4 stars; one submission).

Conditions:
Joubert syndrome. Also called: CEREBELLOPARENCHYMAL DISORDER IV; JOUBERT-BOLTSHAUSER SYNDROME; Familial aplasia of the vermis. Identifiers: Orphanet 475, MedGen C5979921, MONDO:0018772.

Allele frequency attached by ClinVar (database versions not stated): gnomAD exomes below 0.00001.
gnomAD v4.1: 1 of 1,532,046 alleles (0.000065%); highest among the groups gnomAD compares: East Asian, 0.0024%; no homozygotes.

Submission:

Labcorp Genetics (formerly Invitae), Labcorp
Classification: Uncertain significance for Joubert syndrome. Last evaluated: 2022-07-06. Review status: criteria provided, single submitter. Criteria: Invitae Variant Classification Sherloc (09022015). Collection method: clinical testing. Allele origin: germline.
Comment: This sequence change falls in intron 1 of the TMEM216 gene. It does not directly change the encoded amino acid sequence of the TMEM216 protein. This variant is not present in population databases (gnomAD no frequency). This variant has not been reported in the literature in individuals affected with TMEM216-related conditions. Algorithms developed to predict the effect of sequence changes on RNA splicing suggest that this variant may disrupt the consensus splice site. In summary, the available evidence is currently insufficient to determine the role of this variant in disease. Therefore, it has been classified as a Variant of Uncertain Significance.

NM_001173990.3(TMEM216):c.35-14T>A

Gene: TMEM216 (transmembrane protein 216; plus strand). Cytogenetic location: 11q12.2.
Variant type: single nucleotide variant.
Coding change: c.35-14T>A on transcript NM_001173990.3 (MANE Select); 14 bases into the intron before coding-DNA position 35, T replaced by A.
Molecular consequence: intron variant.
Genome position (GRCh38, 1-based): chr11:61,393,217, T>A. VCF-style: chr11-61393217-T-A. GRCh37 (hg19) VCF-style: chr11-61160689-T-A.
Other names: c.-149-14T>A (NM_016499.6, NM_001330285.2); c.35-14T>A (NM_001173991.3).
Identifiers: ClinVar variation 2014371 (VCV002014371.1), dbSNP rs1379856358, ClinGen allele CA2580084344.
Genomic context (GRCh38, chr11:61,393,217, plus strand): 5'-TTAGACACCAACCCATACGAGCAGAGAGGGAGCTGCCTTCCGGCCCATCCCACTTCTCTG[T>A]GCTCCTTTTTCAGGTAAACGGTTGTCCTCCACCCCGCTGGAAATCCTGTTCTTTCTGAAC-3'